The following is an entry in ClinVar:

ClinVar aggregate classification (germline): Uncertain significance. Review status: criteria provided, multiple submitters, no conflicts (2 of 4 stars). 3 submissions from 3 submitters: Uncertain significance (3). Last evaluated 2025-12-29.

Conditions:
Combined immunodeficiency due to OX40 deficiency. Also called: OX40 DEFICIENCY; Immunodeficiency 16. Identifiers: Orphanet 431149, MedGen C3810053, MONDO:0014268, OMIM 615593.

gnomAD v4.1: 47 of 1,612,348 alleles (0.0029%); highest among the groups gnomAD compares: East Asian, 0.076%; no homozygotes.

Submissions (3):

Labcorp Genetics (formerly Invitae), Labcorp
Classification: Uncertain significance for Combined immunodeficiency due to OX40 deficiency. Last evaluated: 2025-12-29. Review status: criteria provided, single submitter. Criteria: Invitae Variant Classification Sherloc (09022015). Collection method: clinical testing. Allele origin: germline.
Comment: This sequence change replaces aspartic acid, which is acidic and polar, with glutamic acid, which is acidic and polar, at codon 170 of the TNFRSF4 protein (p.Asp170Glu). This variant is present in population databases (no rsID available, gnomAD 0.09%), and has an allele count higher than expected for a pathogenic variant. This variant has not been reported in the literature in individuals affected with TNFRSF4-related conditions. ClinVar contains an entry for this variant (Variation ID: 2394592). Invitae Evidence Modeling of protein sequence and biophysical properties (such as structural, functional, and spatial information, amino acid conservation, physicochemical variation, residue mobility, and thermodynamic stability) indicates that this missense variant is not expected to disrupt TNFRSF4 protein function with a negative predictive value of 80%. In summary, the available evidence is currently insufficient to determine the role of this variant in disease. Therefore, it has been classified as a Variant of Uncertain Significance.

Ambry Genetics
Classification: Uncertain significance. Last evaluated: 2025-10-22. Review status: criteria provided, single submitter. Criteria: Ambry Variant Classification Scheme 2023. Collection method: clinical testing. Allele origin: germline.

Blueprint Genetics
Classification: Uncertain significance. Last evaluated: 2023-08-28. Review status: criteria provided, single submitter. Criteria: ACMG Guidelines, 2015. Collection method: clinical testing. Allele origin: germline.

NM_003327.4(TNFRSF4):c.510C>A (p.Asp170Glu)

Gene: TNFRSF4 (TNF receptor superfamily member 4; minus strand). Cytogenetic location: 1p36.33.
Variant type: single nucleotide variant.
Coding change: c.510C>A on transcript NM_003327.4 (MANE Select); coding-DNA position 510, C replaced by A.
Protein change: p.Asp170Glu; replaces aspartic acid 170 with glutamic acid.
Molecular consequence: missense variant.
Genome position (GRCh38, 1-based): chr1:1,212,066, G>T on the plus strand (C>A on the coding strand, the complement: TNFRSF4 is on the minus strand). VCF-style: chr1-1212066-G-T. GRCh37 (hg19) VCF-style: chr1-1147446-G-T.
Other names: c.510C>A, p.Asp170Glu (NM_001410709.1); short protein forms D170E.
Identifiers: ClinVar variation 2394592 (VCV002394592.7), dbSNP rs368736683, ClinGen allele CA512434.